The following is an entry in ClinVar:

ClinVar aggregate classification (germline): Uncertain significance. Review status: criteria provided, multiple submitters, no conflicts (2 of 4 stars). 2 submissions from 2 submitters: Uncertain significance (2). Last evaluated 2017-06-16.

Conditions:
Autosomal recessive limb-girdle muscular dystrophy type 2J (LGMDR10). Also called: Limb-girdle muscular dystrophy, type 2J; MUSCULAR DYSTROPHY, LIMB-GIRDLE, AUTOSOMAL RECESSIVE 10. Identifiers: Orphanet 140922, MedGen C1837342, MONDO:0012127, OMIM 608807.
Dilated cardiomyopathy 1G (CMD1G). Identifiers: Orphanet 154, MedGen C1858763, MONDO:0011400, OMIM 604145.
Cardiovascular phenotype. Identifiers: MedGen CN230736.

Submissions (2):

Ambry Genetics
Classification: Uncertain significance for Cardiovascular phenotype. Last evaluated: 2017-06-16. Review status: criteria provided, single submitter. Criteria: Ambry Variant Classification Scheme 2023. Collection method: clinical testing. Allele origin: germline.
Comment: The p.R8903P variant (also known as c.26708G>C), located in coding exon 107 of the TTN gene, results from a G to C substitution at nucleotide position 26708. The arginine at codon 8903 is replaced by proline, an amino acid with dissimilar properties. This amino acid position is not well conserved in available vertebrate species. In addition, this alteration is predicted to be possibly damaging and unknown by PolyPhen and SIFT in silico analyses, respectively. Since supporting evidence is limited at this time, the clinical significance of this alteration remains unclear.

Labcorp Genetics (formerly Invitae), Labcorp
Classification: Uncertain significance for Dilated cardiomyopathy 1G; Autosomal recessive limb-girdle muscular dystrophy type 2J. Last evaluated: 2017-03-07. Review status: criteria provided, single submitter. Criteria: Invitae Variant Classification Sherloc (09022015). Collection method: clinical testing. Allele origin: germline.

NM_001267550.2(TTN):c.53903G>C (p.Arg17968Pro)

Genes: TTN-AS1 (TTN antisense RNA 1; plus strand), TTN (titin; minus strand). Cytogenetic location: 2q31.2.
Variant type: single nucleotide variant.
Coding change: c.53903G>C on transcript NM_001267550.2 (MANE Select); coding-DNA position 53903, G replaced by C.
Protein change: p.Arg17968Pro; replaces arginine 17968 with proline.
Molecular consequence: missense variant. On other transcripts: non-coding transcript variant (1).
Genome position (GRCh38, 1-based): chr2:178,605,274, C>G on the plus strand (G>C on the coding strand, the complement: TTN is on the minus strand). VCF-style: chr2-178605274-C-G. GRCh37 (hg19) VCF-style: chr2-179470001-C-G.
Other names: c.48980G>C, p.Arg16327Pro (NM_001256850.1); c.26708G>C, p.Arg8903Pro (NM_003319.4); c.46199G>C, p.Arg15400Pro (NM_133378.4); c.27083G>C, p.Arg9028Pro (NM_133432.3); c.27284G>C, p.Arg9095Pro (NM_133437.4); short protein forms R17968P, R8903P, R9028P, R15400P, R16327P, R9095P.
Identifiers: ClinVar variation 467261 (VCV000467261.7), dbSNP rs200100660, ClinGen allele CA349557716.